The following is an entry in ClinVar:

NM_001374828.1(ARID1B):c.4022_4029delinsATGCAAGGT (p.Thr1341fs)

Gene: ARID1B (AT-rich interaction domain 1B; plus strand). Cytogenetic location: 6q25.3.
Variant type: Indel.
Coding change: c.4022_4029delinsATGCAAGGT on transcript NM_001374828.1 (MANE Select); coding-DNA positions 4022 to 4029, CCCCTCAC replaced by ATGCAAGGT.
Protein change: p.Thr1341fs; shifts the reading frame from threonine 1341.
Molecular consequence: frameshift variant.
Genome position (GRCh38, 1-based): chr6:157,189,744-157,189,751, CCCCTCAC replaced by ATGCAAGGT. VCF-style: chr6-157189744-CCCCTCAC-ATGCAAGGT. GRCh37 (hg19) VCF-style: chr6-157510878-CCCCTCAC-ATGCAAGGT.
Other names: c.3905_3912delinsATGCAAGGT, p.Thr1302fs (NM_001438486.1); c.3842_3849delinsATGCAAGGT, p.Thr1281fs (NM_001438487.1); c.1364_1371delinsATGCAAGGT, p.Thr455fs (NM_001438488.1); c.3863_3870delinsATGCAAGGT, p.Thr1288fs (NM_017519.3); c.1523_1530delinsATGCAAGGT, p.Thr508fs (NM_001363725.2); c.3902_3909delinsATGCAAGGT, p.Thr1301fs (NM_001371656.1, NM_001374820.1); c.4151_4158delinsATGCAAGGT, p.Thr1384fs (NM_001438482.1); c.4064_4071delinsATGCAAGGT, p.Thr1355fs (NM_001438483.1); and 1 more; short protein forms T1281fs, T1288fs, T1301fs, T1302fs, T1311fs, T1341fs, T1355fs, T1384fs.
Identifiers: ClinVar variation 4855411 (VCV004855411.1).

ClinVar aggregate classification (germline): Likely pathogenic (1 of 4 stars; one submission).

Conditions:
Coffin-Siris syndrome 1 (CSS1). Also called: ARID1B-Related Coffin-Siris Syndrome; Mental retardation, autosomal dominant 12. Identifiers: Orphanet 1465, MedGen C3281201, MONDO:0007617, OMIM 135900. Disease mechanism: gain of function.

Submission:

3billion
Classification: Likely pathogenic for Coffin-Siris syndrome 1. Last evaluated: 2025-07-31. Review status: criteria provided, single submitter. Criteria: ACMG Guidelines, 2015. Collection method: clinical testing. Allele origin: germline. Affected: yes.
Comment: The variant is not observed in the gnomAD v4.1.0 dataset. Predicted Consequence/Location: Frameshift: predicted to result in a loss or disruption of normal protein function through nonsense-mediated decay (NMD) or protein truncation. Multiple pathogenic variants are reported downstream of the variant. Therefore, this variant is classified as Likely pathogenic according to the recommendation of ACMG/AMP guideline.